The following is an entry in ClinVar:

ClinVar aggregate classification (germline): Likely benign (1 of 4 stars; one submission).

Submission:

CeGaT Center for Human Genetics Tuebingen
Classification: Likely benign. Last evaluated: 2024-10-01. Review status: criteria provided, single submitter. Criteria: CeGaT Center For Human Genetics Tuebingen Variant Classification Criteria Version 2. Collection method: clinical testing. Allele origin: germline. Affected: yes. Observed: 2 variant alleles.
Comment: CRIPAK: BP4, BS2

NM_175918.3(CRIPAK):c.518C>A (p.Pro173Gln)

Genes: CRIPAK (cysteine rich PAK1 inhibitor; plus strand), UVSSA (UV stimulated scaffold protein A; plus strand), LOC126806945 (P300/CBP strongly-dependent group 1 enhancer GRCh37_chr4:1388225-1389424; plus strand). Cytogenetic location: 4p16.3.
Variant type: single nucleotide variant.
Coding change: c.518C>A on transcript NM_175918.3; coding-DNA position 518, C replaced by A.
Protein change: p.Pro173Gln; replaces proline 173 with glutamine.
Molecular consequence: missense variant.
Genome position (GRCh38, 1-based): chr4:1,395,029, C>A. VCF-style: chr4-1395029-C-A. GRCh37 (hg19) VCF-style: chr4-1388817-C-A.
Other names: short protein forms P173Q.
Identifiers: ClinVar variation 3024899 (VCV003024899.22), dbSNP rs200606324, ClinGen allele CA2806936.